The following is an entry in ClinVar:

ClinVar aggregate classification (germline): Uncertain significance. Review status: criteria provided, multiple submitters, no conflicts (2 of 4 stars). 2 submissions from 2 submitters: Uncertain significance (2). Last evaluated 2025-06-16.

Conditions:
Hereditary cancer-predisposing syndrome. Also called: Hereditary neoplastic syndrome; Neoplastic Syndromes, Hereditary; Hereditary Cancer Syndrome; Tumor predisposition. Identifiers: Orphanet 140162, MedGen C0027672, MeSH D009386, MONDO:0015356.
EGFR-related lung cancer (EGFR). Identifiers: MedGen CN130014.

gnomAD v4.1: 1 of 1,614,252 alleles (0.000062%); highest among the groups gnomAD compares: Middle Eastern, 0.016%; no homozygotes.

Submissions (2):

Ambry Genetics
Classification: Uncertain significance for Hereditary cancer-predisposing syndrome. Last evaluated: 2025-06-16. Review status: criteria provided, single submitter. Criteria: Ambry Variant Classification Scheme 2023. Collection method: clinical testing. Allele origin: germline.
Comment: The p.I426V variant (also known as c.1276A>G), located in coding exon 11 of the EGFR gene, results from an A to G substitution at nucleotide position 1276. The isoleucine at codon 426 is replaced by valine, an amino acid with highly similar properties. This amino acid position is highly conserved in available vertebrate species. In addition, the in silico prediction for this alteration is inconclusive. Based on the available evidence, the clinical significance of this variant remains unclear.

Labcorp Genetics (formerly Invitae), Labcorp
Classification: Uncertain significance for EGFR-related lung cancer. Last evaluated: 2024-09-28. Review status: criteria provided, single submitter. Criteria: Invitae Variant Classification Sherloc (09022015). Collection method: clinical testing. Allele origin: germline.
Comment: This sequence change replaces isoleucine, which is neutral and non-polar, with valine, which is neutral and non-polar, at codon 426 of the EGFR protein (p.Ile426Val). This variant is not present in population databases (gnomAD no frequency). This variant has not been reported in the literature in individuals affected with EGFR-related conditions. Invitae Evidence Modeling of protein sequence and biophysical properties (such as structural, functional, and spatial information, amino acid conservation, physicochemical variation, residue mobility, and thermodynamic stability) indicates that this missense variant is not expected to disrupt EGFR protein function with a negative predictive value of 80%. In summary, the available evidence is currently insufficient to determine the role of this variant in disease. Therefore, it has been classified as a Variant of Uncertain Significance.

NM_005228.5(EGFR):c.1276A>G (p.Ile426Val)

Gene: EGFR (epidermal growth factor receptor; plus strand). Cytogenetic location: 7p11.2.
Variant type: single nucleotide variant.
Coding change: c.1276A>G on transcript NM_005228.5 (MANE Select); coding-DNA position 1276, A replaced by G.
Protein change: p.Ile426Val; replaces isoleucine 426 with valine.
Molecular consequence: missense variant.
Genome position (GRCh38, 1-based): chr7:55,157,731, A>G. VCF-style: chr7-55157731-A-G. GRCh37 (hg19) VCF-style: chr7-55225424-A-G.
Other names: c.1141A>G, p.Ile381Val (NM_001346897.2, NM_001346899.2); c.1276A>G, p.Ile426Val (NM_001346898.2, NM_201282.2, NM_201284.2); c.1117A>G, p.Ile373Val (NM_001346900.2); c.475A>G, p.Ile159Val (NM_001346941.2); short protein forms I381V, I159V, I373V, I426V.
Identifiers: ClinVar variation 3712373 (VCV003712373.3).